The following is an entry in ClinVar:

ClinVar aggregate classification (germline): Uncertain significance (1 of 4 stars; one submission).

Conditions:
Hypogonadotropic hypogonadism 1 with or without anosmia (HH1). Also called: Kallmann syndrome, type 1, X-linked; DYSPLASIA OLFACTOGENITALIS OF DE MORSIER; Hypogonadotropic hypogonadism 1 with or without anosmia (Kallmann syndrome 1); HYPOGONADOTROPIC HYPOGONADISM 1 WITH ANOSMIA; KAL1-Related GnRH Deficiency (Kallmann Syndrome 1; Kallmann Syndrome, X-Linked); HYPOGONADOTROPIC HYPOGONADISM AND ANOSMIA. Identifiers: Orphanet 478, MedGen C1563719, MONDO:0010635, OMIM 308700. Disease mechanism: loss of function.

Submission:

Labcorp Genetics (formerly Invitae), Labcorp
Classification: Uncertain significance for Hypogonadotropic hypogonadism 1 with or without anosmia. Last evaluated: 2022-01-01. Review status: criteria provided, single submitter. Criteria: Invitae Variant Classification Sherloc (09022015). Collection method: clinical testing. Allele origin: germline.
Comment: This variant has not been reported in the literature in individuals affected with ANOS1-related conditions. This variant is not present in population databases (gnomAD no frequency). This sequence change falls in intron 6 of the ANOS1 gene. It does not directly change the encoded amino acid sequence of the ANOS1 protein. Algorithms developed to predict the effect of sequence changes on RNA splicing suggest that this variant may disrupt the consensus splice site. In summary, the available evidence is currently insufficient to determine the role of this variant in disease. Therefore, it has been classified as a Variant of Uncertain Significance.

NM_000216.4(ANOS1):c.857-10G>A

Gene: ANOS1 (anosmin 1; minus strand). Cytogenetic location: Xp22.31.
Variant type: single nucleotide variant.
Coding change: c.857-10G>A on transcript NM_000216.4 (MANE Select); 10 bases into the intron before coding-DNA position 857, G replaced by A.
Molecular consequence: intron variant.
Genome position (GRCh38, 1-based): chrX:8,570,714, C>T on the plus strand (G>A on the coding strand, the complement: ANOS1 is on the minus strand). VCF-style: chrX-8570714-C-T. GRCh37 (hg19) VCF-style: chrX-8538755-C-T.
Identifiers: ClinVar variation 1427038 (VCV001427038.6), dbSNP rs1428532575, ClinGen allele CA2573159503.
Genomic context (GRCh38, chrX:8,570,714, plus strand): 5'-CGGTGGAGTTGGCCAGCCGGAGGTTAGCCGGTGCTGGTGGGGCAGATGGATCTGAAATCC[C>T]AGTACAAAGACACATCATATGACTCCACAAAACTAACATCTTTGGACATGTAATGACTAC-3'